The following is an entry in ClinVar:

ClinVar aggregate classification (germline): Likely pathogenic (1 of 4 stars; one submission).

Submission:

Labcorp Genetics (formerly Invitae), Labcorp
Classification: Likely pathogenic. Last evaluated: 2023-06-05. Review status: criteria provided, single submitter. Criteria: Invitae Variant Classification Sherloc (09022015). Collection method: clinical testing. Allele origin: unknown.
Comment: In summary, the currently available evidence indicates that the variant is pathogenic, but additional data are needed to prove that conclusively. Therefore, this variant has been classified as Likely Pathogenic. This variant has not been reported in the literature in individuals affected with CCDC88C-related conditions. This variant results in the deletion of exon 14 and part of exon 15 (c.1528-1699_2004delinsTT) of the CCDC88C gene. It is expected to disrupt RNA splicing. Variants that disrupt the donor or acceptor splice site typically lead to a loss of protein function (PMID: 16199547), and loss-of-function variants in CCDC88C are known to be pathogenic (PMID: 23042809, 29225145).

Literature cited by the submitters: PubMed 16199547; PubMed 23042809; PubMed 29225145.

NC_000014.8:g.(?_91780156)_(91783830_?)del

Gene: CCDC88C (coiled-coil domain containing 88C; minus strand). Cytogenetic location: 14q32.11.
Variant type: Deletion.
Identifiers: ClinVar variation 3244066 (VCV003244066.1).